The following is an entry in ClinVar:

NM_014334.4(FRRS1L):c.16C>G (p.Arg6Gly)

Gene: FRRS1L (ferric chelate reductase 1 like; minus strand). Cytogenetic location: 9q31.3.
Variant type: single nucleotide variant.
Coding change: c.16C>G on transcript NM_014334.4 (MANE Select); coding-DNA position 16, C replaced by G.
Protein change: p.Arg6Gly; replaces arginine 6 with glycine.
Molecular consequence: missense variant.
Genome position (GRCh38, 1-based): chr9:109,167,123, G>C on the plus strand (C>G on the coding strand, the complement: FRRS1L is on the minus strand). VCF-style: chr9-109167123-G-C. GRCh37 (hg19) VCF-style: chr9-111929403-G-C.
Other names: short protein forms R6G.
Identifiers: ClinVar variation 2421881 (VCV002421881.8), dbSNP rs1232685321, ClinGen allele CA374430672.

ClinVar aggregate classification (germline): Uncertain significance (1 of 4 stars; one submission).

Conditions:
Developmental and epileptic encephalopathy, 37 (DEE37). Also called: Epileptic encephalopathy, early infantile, 37. Identifiers: MedGen C4310770, MONDO:0014859, OMIM 616981.

Allele frequency attached by ClinVar (database versions not stated): TOPMed below 0.00001.

Submission:

Labcorp Genetics (formerly Invitae), Labcorp
Classification: Uncertain significance for Developmental and epileptic encephalopathy, 37. Last evaluated: 2024-05-20. Review status: criteria provided, single submitter. Criteria: Invitae Variant Classification Sherloc (09022015). Collection method: clinical testing. Allele origin: germline.
Comment: This sequence change replaces arginine, which is basic and polar, with glycine, which is neutral and non-polar, at codon 57 of the FRRS1L protein (p.Arg57Gly). The frequency data for this variant in the population databases is considered unreliable, as metrics indicate insufficient coverage at this position in the gnomAD database. This variant has not been reported in the literature in individuals affected with FRRS1L-related conditions. ClinVar contains an entry for this variant (Variation ID: 2421881). An algorithm developed to predict the effect of missense changes on protein structure and function (PolyPhen-2) suggests that this variant is likely to be tolerated. In summary, the available evidence is currently insufficient to determine the role of this variant in disease. Therefore, it has been classified as a Variant of Uncertain Significance.